The following is an entry in ClinVar:

ClinVar aggregate classification (germline): Uncertain significance (1 of 4 stars; one submission).

Conditions:
Brain small vessel disease 2A, autosomal dominant. Also called: Porencephaly 2. Identifiers: Orphanet 2940, Orphanet 99810, MedGen C3280970, MONDO:0013773, OMIM 614483.

gnomAD v4.1: 1 of 1,614,162 alleles (0.000062%); highest among the groups gnomAD compares: Non-Finnish European, 0.000085%; no homozygotes.

Submission:

OLLIN Analises Genomicas, OLLIN
Classification: Uncertain significance for Brain small vessel disease 2A, autosomal dominant. Last evaluated: 2026-08-06. Review status: criteria provided, single submitter. Criteria: ACMG Guidelines 2015 PMID 25741868. Collection method: clinical testing. Allele origin: germline. Inheritance: Autosomal dominant inheritance.
Comment: This missense variant, located in exon 40 (of 48), has been observed in gnomAD with an allele frequency of 0.000062%, but has not been reported in ClinVar or identified in the literature. In silico analysis predicts that this variant has a tolerated effect. According to the currently available evidence, this variant has been classified as uncertain significance (PM2_P, BP4_M).

NM_001846.4(COL4A2):c.3637T>G (p.Ser1213Ala)

Gene: COL4A2 (collagen type IV alpha 2 chain; plus strand). Cytogenetic location: 13q34.
Variant type: single nucleotide variant.
Coding change: c.3637T>G on transcript NM_001846.4 (MANE Select); coding-DNA position 3637, T replaced by G.
Protein change: p.Ser1213Ala; replaces serine 1213 with alanine.
Molecular consequence: missense variant.
Genome position (GRCh38, 1-based): chr13:110,495,344, T>G. VCF-style: chr13-110495344-T-G. GRCh37 (hg19) VCF-style: chr13-111147691-T-G.
Other names: short protein forms S1213A.
Identifiers: ClinVar variation 5003137 (VCV005003137.1).